The following is an entry in ClinVar:

ClinVar aggregate classification (germline): Likely benign. Review status: criteria provided, multiple submitters, no conflicts (2 of 4 stars). 2 submissions from 2 submitters: Likely benign (2). Last evaluated 2023-03-23.

Conditions:
Hypokalemic periodic paralysis, type 1. Also called: HypoPP; Hypokalemic Periodic Paralysis Type 1 (AD). Identifiers: Orphanet 681, MedGen C3714580, MONDO:0042979, OMIM 170400.
Malignant hyperthermia, susceptibility to, 5 (MHS5). Also called: CACNA1S-Related Malignant Hyperthermia Susceptibility. Identifiers: Orphanet 423, MedGen C1866077, MONDO:0011163, OMIM 601887.

Allele frequency attached by ClinVar (database versions not stated): gnomAD exomes below 0.00001.
gnomAD v4.1: 1 of 1,610,538 alleles (0.000062%); highest among the groups gnomAD compares: South Asian, 0.0011%; no homozygotes.

Submissions (2):

All of Us Research Program, National Institutes of Health
Classification: Likely benign for Malignant hyperthermia, susceptibility to, 5. Last evaluated: 2023-03-23. Review status: criteria provided, single submitter. Criteria: ACMG Guidelines, 2015. Collection method: clinical testing. Allele origin: germline. Inheritance: Autosomal dominant inheritance. Observed: 1 variant allele, 1 heterozygote.
Comment: This study involves interpretation of variants in research participants for the purpose of population health screening. Participant phenotype was not available at the time of variant classification. Additional details can be found in publication PMID: 35346344, PMCID: PMC8962531

Labcorp Genetics (formerly Invitae), Labcorp
Classification: Likely benign for Hypokalemic periodic paralysis, type 1; Malignant hyperthermia, susceptibility to, 5. Last evaluated: 2022-07-29. Review status: criteria provided, single submitter. Criteria: Invitae Variant Classification Sherloc (09022015). Collection method: clinical testing. Allele origin: germline.

NM_000069.3(CACNA1S):c.1158G>A (p.Leu386=)

Gene: CACNA1S (calcium voltage-gated channel subunit alpha1 S; minus strand). Cytogenetic location: 1q32.1.
Variant type: single nucleotide variant.
Coding change: c.1158G>A on transcript NM_000069.3 (MANE Select); coding-DNA position 1158, G replaced by A.
Protein change: p.Leu386=; no amino-acid change (leucine 386 retained).
Molecular consequence: synonymous variant.
Genome position (GRCh38, 1-based): chr1:201,085,024, C>T on the plus strand (G>A on the coding strand, the complement: CACNA1S is on the minus strand). VCF-style: chr1-201085024-C-T. GRCh37 (hg19) VCF-style: chr1-201054152-C-T.
Identifiers: ClinVar variation 1982140 (VCV001982140.5), dbSNP rs2464596504, ClinGen allele CA422692560.